The following is an entry in ClinVar:

ClinVar aggregate classification (germline): Uncertain significance (1 of 4 stars; one submission).

Conditions:
Familial thoracic aortic aneurysm and aortic dissection (TAAD). Also called: Thoracic aortic aneurysms and dissections. Identifiers: Orphanet 91387, MedGen C4707243, MONDO:0019625.

Submission:

Labcorp Genetics (formerly Invitae), Labcorp
Classification: Uncertain significance for Familial thoracic aortic aneurysm and aortic dissection. Last evaluated: 2021-10-17. Review status: criteria provided, single submitter. Criteria: Invitae Variant Classification Sherloc (09022015). Collection method: clinical testing. Allele origin: germline.
Comment: This sequence change creates a premature translational stop signal (p.Tyr187*) in the TGFBR2 gene. It is expected to result in an absent or disrupted protein product. However, the current clinical and genetic evidence is not sufficient to establish whether loss-of-function variants in TGFBR2 cause disease. This variant is not present in population databases (ExAC no frequency). This variant has not been reported in the literature in individuals affected with TGFBR2-related conditions. Algorithms developed to predict the effect of sequence changes on RNA splicing suggest that this variant may create or strengthen a splice site. In summary, the available evidence is currently insufficient to determine the role of this variant in disease. Therefore, it has been classified as a Variant of Uncertain Significance.

NM_003242.6(TGFBR2):c.561C>G (p.Tyr187Ter)

Gene: TGFBR2 (transforming growth factor beta receptor 2; plus strand). Cytogenetic location: 3p24.1.
Variant type: single nucleotide variant.
Coding change: c.561C>G on transcript NM_003242.6 (MANE Select); coding-DNA position 561, C replaced by G.
Protein change: p.Tyr187Ter; replaces tyrosine 187 with a stop codon.
Molecular consequence: nonsense.
Genome position (GRCh38, 1-based): chr3:30,671,744, C>G. VCF-style: chr3-30671744-C-G. GRCh37 (hg19) VCF-style: chr3-30713236-C-G.
Other names: c.636C>G, p.Tyr212Ter (NM_001024847.3); c.744C>G, p.Tyr248Ter (NM_001407126.1); c.669C>G, p.Tyr223Ter (NM_001407127.1); c.588C>G, p.Tyr196Ter (NM_001407128.1); c.564C>G, p.Tyr188Ter (NM_001407129.1); c.561C>G, p.Tyr187Ter (NM_001407130.1); c.456C>G, p.Tyr152Ter (NM_001407132.1, NM_001407133.1, NM_001407134.1 and 2 more transcripts); c.276C>G, p.Tyr92Ter (NM_001407137.1); and 1 more; short protein forms Y212*, Y187*, Y188*, Y223*, Y248*, Y67*, Y92*, Y196*.
Identifiers: ClinVar variation 1398025 (VCV001398025.7), dbSNP rs2125433517, ClinGen allele CA351807371.